The following is an entry in ClinVar:

NM_130839.5(UBE3A):c.319G>C (p.Glu107Gln)

Genes: SNHG14 (small nucleolar RNA host gene 14; plus strand), UBE3A (ubiquitin protein ligase E3A; minus strand). Cytogenetic location: 15q11.2.
Variant type: single nucleotide variant.
Coding change: c.319G>C on transcript NM_130839.5 (MANE Select); coding-DNA position 319, G replaced by C.
Protein change: p.Glu107Gln; replaces glutamic acid 107 with glutamine.
Molecular consequence: missense variant. On other transcripts: non-coding transcript variant (1).
Genome position (GRCh38, 1-based): chr15:25,375,507, C>G on the plus strand (G>C on the coding strand, the complement: UBE3A is on the minus strand). VCF-style: chr15-25375507-C-G. GRCh37 (hg19) VCF-style: chr15-25620654-C-G.
Other names: c.259G>C, p.Glu87Gln (NM_001354506.2, NM_001354507.2, NM_001354508.2 and 18 more transcripts); c.319G>C, p.Glu107Gln (NM_001354538.2, NM_001354550.2, NM_001354505.1 and 1 more transcripts); c.328G>C, p.Glu110Gln (NM_000462.5); c.142G>C, p.Glu48Gln (NM_001354546.2); short protein forms E107Q, E110Q, E48Q, E87Q.
Identifiers: ClinVar variation 4802381 (VCV004802381.1).

ClinVar aggregate classification (germline): Uncertain significance (1 of 4 stars; one submission).

Conditions:
Angelman syndrome (AS). Also called: HAPPY PUPPET SYNDROME. Identifiers: Orphanet 72, MedGen C0162635, MONDO:0007113, OMIM 105830. Disease mechanism: loss of function. Inheritance: imprinting disorder, AS is caused by disruption of maternally imprinted UBE3A located within the 15q11.2-q13 Angelman syndrome/Prader-Willi syndrome (AS/PWS) region..

gnomAD v4.1: 1 of 1,614,064 alleles (0.000062%); highest among the groups gnomAD compares: Non-Finnish European, 0.000085%; no homozygotes.

Submission:

Labcorp Genetics (formerly Invitae), Labcorp
Classification: Uncertain significance for Angelman syndrome. Last evaluated: 2025-02-19. Review status: criteria provided, single submitter. Criteria: Invitae Variant Classification Sherloc (09022015). Collection method: clinical testing. Allele origin: germline.
Comment: This sequence change replaces glutamic acid, which is acidic and polar, with glutamine, which is neutral and polar, at codon 87 of the UBE3A protein (p.Glu87Gln). This variant is not present in population databases (gnomAD no frequency). This variant has not been reported in the literature in individuals affected with UBE3A-related conditions. Invitae Evidence Modeling of protein sequence and biophysical properties (such as structural, functional, and spatial information, amino acid conservation, physicochemical variation, residue mobility, and thermodynamic stability) has been performed for this missense variant. However, the output from this modeling did not meet the statistical confidence thresholds required to predict the impact of this variant on UBE3A protein function. In summary, the available evidence is currently insufficient to determine the role of this variant in disease. Therefore, it has been classified as a Variant of Uncertain Significance.